The following is an entry in ClinVar:

ClinVar aggregate classification (germline): Uncertain significance (1 of 4 stars; one submission).

Submission:

Ambry Genetics
Classification: Uncertain significance. Last evaluated: 2022-05-01. Review status: criteria provided, single submitter. Criteria: Ambry Variant Classification Scheme 2023. Collection method: clinical testing. Allele origin: germline.
Comment: The p.T196N variant (also known as c.587C>A), located in coding exon 6 of the NQO1 gene, results from a C to A substitution at nucleotide position 587. The threonine at codon 196 is replaced by asparagine, an amino acid with similar properties. This amino acid position is conserved. In addition, this alteration is predicted to be tolerated by in silico analysis. Since supporting evidence is limited at this time, the clinical significance of this alteration remains unclear.

NM_000903.3(NQO1):c.587C>A (p.Thr196Asn)

Gene: NQO1 (NAD(P)H quinone dehydrogenase 1; minus strand). Cytogenetic location: 16q22.1.
Variant type: single nucleotide variant.
Coding change: c.587C>A on transcript NM_000903.3 (MANE Select); coding-DNA position 587, C replaced by A.
Protein change: p.Thr196Asn; replaces threonine 196 with asparagine.
Molecular consequence: missense variant.
Genome position (GRCh38, 1-based): chr16:69,711,214, G>T on the plus strand (C>A on the coding strand, the complement: NQO1 is on the minus strand). VCF-style: chr16-69711214-G-T. GRCh37 (hg19) VCF-style: chr16-69745117-G-T.
Other names: c.485C>A, p.Thr162Asn (NM_001025433.2); c.473C>A, p.Thr158Asn (NM_001025434.2); c.371C>A, p.Thr124Asn (NM_001286137.2); short protein forms T162N, T124N, T158N, T196N.
Identifiers: ClinVar variation 1750244 (VCV001750244.2), dbSNP rs1303002280, ClinGen allele CA396487819.